The following is an entry in ClinVar:

NM_001082971.2(DDC):c.553G>A (p.Ala185Thr)

Gene: DDC (dopa decarboxylase; minus strand). Cytogenetic location: 7p12.1.
Variant type: single nucleotide variant.
Coding change: c.553G>A on transcript NM_001082971.2 (MANE Select); coding-DNA position 553, G replaced by A.
Protein change: p.Ala185Thr; replaces alanine 185 with threonine.
Molecular consequence: missense variant. On other transcripts: intron variant (1).
Genome position (GRCh38, 1-based): chr7:50,529,225, C>T on the plus strand (G>A on the coding strand, the complement: DDC is on the minus strand). VCF-style: chr7-50529225-C-T. GRCh37 (hg19) VCF-style: chr7-50596923-C-T.
Other names: c.553G>A, p.Ala185Thr (NM_000790.4, NM_001242887.2, NM_001242890.2); c.439G>A, p.Ala147Thr (NM_001242886.2); c.319G>A, p.Ala107Thr (NM_001242888.2); c.435+8635G>A (NM_001242889.2); short protein forms A107T, A185T, A147T.
Identifiers: ClinVar variation 1973874 (VCV001973874.5), dbSNP rs2535405611, ClinGen allele CA367526636.
Genomic context (GRCh38, chr7:50,529,225, plus strand): 5'-TCGGGTCTTGAAGTCTTGGCTGATACCCCCACAACACACTCACCTGATCGGATGAGTAAG[C>T]CACCAGCTTCTCCATGATAGCGGCCTGTGTGAGCTCTGGGGACGCTGCCTGCAGCCGATG-3'
Protein context (NP_001076440.2, residues 175-195): TQAAIMEKLV[Ala185Thr]YSSDQAHSSV

ClinVar aggregate classification (germline): Uncertain significance (1 of 4 stars; one submission).

Conditions:
Deficiency of aromatic-L-amino-acid decarboxylase. Also called: Aromatic amino acid decarboxylase deficiency; AADC DEFICIENCY; DDC DEFICIENCY; DOPA DECARBOXYLASE DEFICIENCY; Aromatic L-Amino Acid Decarboxylase Deficiency. Identifiers: Orphanet 35708, MedGen C1291564, MONDO:0012084, OMIM 608643.

Allele frequency attached by ClinVar (database versions not stated): gnomAD exomes below 0.00001.
gnomAD v4.1: 1 of 1,613,444 alleles (0.000062%); highest among the groups gnomAD compares: African/African-American, 0.0013%; no homozygotes.

Submission:

Labcorp Genetics (formerly Invitae), Labcorp
Classification: Uncertain significance for Deficiency of aromatic-L-amino-acid decarboxylase. Last evaluated: 2022-08-09. Review status: criteria provided, single submitter. Criteria: Invitae Variant Classification Sherloc (09022015). Collection method: clinical testing. Allele origin: germline.
Comment: In summary, the available evidence is currently insufficient to determine the role of this variant in disease. Therefore, it has been classified as a Variant of Uncertain Significance. Algorithms developed to predict the effect of missense changes on protein structure and function are either unavailable or do not agree on the potential impact of this missense change (SIFT: "Deleterious"; PolyPhen-2: "Possibly Damaging"; Align-GVGD: "Class C0"). This variant has not been reported in the literature in individuals affected with DDC-related conditions. This variant is not present in population databases (gnomAD no frequency). This sequence change replaces alanine, which is neutral and non-polar, with threonine, which is neutral and polar, at codon 185 of the DDC protein (p.Ala185Thr).